The following is an entry in ClinVar:

ClinVar aggregate classification (germline): Pathogenic. Review status: reviewed by expert panel (3 of 4 stars). 15 submissions from 15 submitters: Pathogenic (1). 14 of the submissions do not count toward it. Last evaluated 2016-10-18.

Conditions:
BRCA2-related cancer predisposition. Identifiers: MedGen CN377758, MONDO:0700269.
Hereditary cancer-predisposing syndrome. Also called: Tumor predisposition; Hereditary neoplastic syndrome; Hereditary Cancer Syndrome; Neoplastic Syndromes, Hereditary. Identifiers: Orphanet 140162, MedGen C0027672, MeSH D009386, MONDO:0015356.
Breast neoplasm. Also called: Breast Neoplasms; Neoplasm of the breast; Neoplasm of breast; Breast tumor. Identifiers: MedGen C1458155, MeSH D001943, MONDO:0021100, HP:0100013. Disease mechanism: gain of function.
Hereditary breast ovarian cancer syndrome. Also called: Hereditary breast and/or ovarian cancer syndrome; Breast and ovarian cancer; Hereditary breast and ovarian cancer; Hereditary breast and ovarian cancer syndrome; Hereditary breast and ovarian cancer syndrome (HBOC); BRCA1- and BRCA2-Associated Hereditary Breast and Ovarian Cancer. Identifiers: Orphanet 145, MedGen C0677776, MeSH D061325, MONDO:0003582. Disease mechanism: loss of function.
Breast-ovarian cancer, familial, susceptibility to, 2 (BROVCA2). Also called: BRCA2 Hereditary Breast and Ovarian Cancer. Identifiers: Orphanet 145, MedGen C2675520, MONDO:0012933, OMIM 612555. Disease mechanism: loss of function.
Familial cancer of breast. Also called: BREAST CANCER, FAMILIAL; Hereditary breast cancer; hereditary breast carcinoma. Identifiers: Orphanet 227535, MedGen C0346153, MONDO:0016419, OMIM 114480. Disease mechanism: loss of function.

Allele frequency attached by ClinVar (database versions not stated): gnomAD exomes below 0.00001.
gnomAD v4.1: 3 of 1,613,854 alleles (0.00019%); highest among the groups gnomAD compares: East Asian, 0.0022%; no homozygotes.

Submissions 1 to 9 of 15:

Evidence-based Network for the Interpretation of Germline Mutant Alleles (ENIGMA)
Classification: Pathogenic for Breast-ovarian cancer, familial, susceptibility to, 2. Last evaluated: 2016-10-18. Review status: reviewed by expert panel. Criteria: ENIGMA BRCA1/2 Classification Criteria (2015). Collection method: curation. Allele origin: germline.
Comment: Variant allele predicted to encode a truncated non-functional protein.

GeneDx
Classification: Pathogenic. Last evaluated: 2026-08-07. Review status: criteria provided, single submitter. Criteria: GeneDx Variant Classification Process June 2021. Collection method: clinical testing. Allele origin: germline. Not counted in ClinVar's aggregate classification.
Comment: Nonsense variant predicted to result in protein truncation or nonsense mediated decay in a gene for which loss of function is a known mechanism of disease; Not observed at significant frequency in large population cohorts (gnomAD); Truncating variants in this gene are considered pathogenic by a well-established clinical consortium and/or database; Also known as c.2323C>T; This variant is associated with the following publications: (PMID: 29566657, 29446198, 31921681, 33726785, 33558524, 30787465, 31742824, 33461583, 37563628, 12228710, 23683081)

Labcorp Genetics (formerly Invitae), Labcorp
Classification: Pathogenic for Hereditary breast ovarian cancer syndrome. Last evaluated: 2025-08-11. Review status: criteria provided, single submitter. Criteria: Invitae Variant Classification Sherloc (09022015). Collection method: clinical testing. Allele origin: germline. Not counted in ClinVar's aggregate classification.
Comment: This sequence change creates a premature translational stop signal (p.Gln699*) in the BRCA2 gene. It is expected to result in an absent or disrupted protein product. Loss-of-function variants in BRCA2 are known to be pathogenic (PMID: 20104584). This variant is not present in population databases (gnomAD no frequency). This premature translational stop signal has been observed in individual(s) with breast and/or ovarian cancer (PMID: 23683081). ClinVar contains an entry for this variant (Variation ID: 236835). For these reasons, this variant has been classified as Pathogenic.

Quest Diagnostics Nichols Institute San Juan Capistrano
Classification: Pathogenic. Last evaluated: 2025-06-20. Review status: criteria provided, single submitter. Criteria: Quest Diagnostics criteria. Collection method: clinical testing. Allele origin: unknown. Not counted in ClinVar's aggregate classification.
Comment: The BRCA2 c.2095C>T (p.Gln699*) variant causes the premature termination of BRCA2 protein synthesis. This variant has been reported in the published literature in individuals with breast and/or ovarian cancer (PMID: 23683081 (2013), 28477318 (2017), 29566657 (2018), 31921681 (2019), 31742824 (2020), 33726785 (2021), 33558524 (2021), 38922859 (2024)), as well as in a reportedly unaffected individual in a large scale breast cancer association study (PMID: 33471991 (2021), see also LOVD). This variant has not been reported in large, multi-ethnic general populations (Genome Aggregation Database). Based on the available information, this variant is classified as pathogenic.

All of Us Research Program, National Institutes of Health
Classification: Pathogenic for BRCA2-related cancer predisposition. Last evaluated: 2024-09-02. Review status: criteria provided, single submitter. Criteria: ACMG Guidelines, 2015. Collection method: clinical testing. Allele origin: germline. Inheritance: Autosomal dominant inheritance. Observed: 1 variant allele, 1 heterozygote. Not counted in ClinVar's aggregate classification.
Comment: The c.2095C>T variant in the BRCA2 gene is located on the exon 11 and introduces a premature translation termination codon (p.Gln699*), resulting in an absent or disrupted protein product. The variant has been reported in multiple individuals with hereditary breast and/or ovarian cancer (PMID: 23683081, 33726785, 28477318, 33558524, 31921681, 32566972). Other protein termination codon variants located in the same exon (p.Gln649*, p.Ser1404*, p.Gln2160*) have been interpreted as pathogenic (ClinVar ID: 91764, 91815, 266950). Loss-of-function variants in the BRCA2 gene are known to cause hereditary breast and ovarian cancer (PMID: 8988179, 11897832, 29446198). This variant has been reported in ClinVar as pathogenic by the expert panel (ID: 236835). The variant is rare in the general population according to gnomAD (v4.1 3/1613854). Therefore, the c.2095C>T (p.Gln699*) variant in the BRCA2 gene has been classified as pathogenic.

This study involves interpretation of variants in research participants for the purpose of population health screening. Participant phenotype was not available at the time of variant classification. Additional details can be found in publication PMID: 35346344, PMCID: PMC8962531

Baylor Genetics
Classification: Pathogenic for Familial cancer of breast. Last evaluated: 2023-10-23. Review status: criteria provided, single submitter. Criteria: ACMG Guidelines, 2015. Collection method: clinical testing. Allele origin: unknown. Not counted in ClinVar's aggregate classification.

Ambry Genetics
Classification: Pathogenic for Hereditary cancer-predisposing syndrome. Last evaluated: 2022-01-20. Review status: criteria provided, single submitter. Criteria: Ambry Variant Classification Scheme 2023. Collection method: clinical testing. Allele origin: germline. Not counted in ClinVar's aggregate classification.
Comment: The p.Q699* pathogenic mutation (also known as c.2095C>T), located in coding exon 10 of the BRCA2 gene, results from a C to T substitution at nucleotide position 2095. This changes the amino acid from a glutamine to a stop codon within coding exon 10. This alteration has been identified in multiple high-risk breast and/or ovarian cancer families (Blay P et al. BMC Cancer 2013; 13:243; Gabaldo Barrios X et al. Fam Cancer. 2017 Oct;16(4):477-489; Rebbeck TR et al. Hum Mutat, 2018 05;39:593-620; Wang YA et al. BMC Cancer, 2018 03;18:315; Shao D et al. Cancer Sci, 2020 Feb;111:647-657; Ben Ayed-Guerfali D et al. J Transl Med, 2021 03;19:108; Moradian MM et al. Hum Genome Var, 2021 Feb;8:9). This variant is considered to be rare based on population cohorts in the Genome Aggregation Database (gnomAD). In addition to the clinical data presented in the literature, this alteration is expected to result in loss of function by premature protein truncation or nonsense-mediated mRNA decay. As such, this alteration is interpreted as a disease-causing mutation.

Color Diagnostics, LLC DBA Color Health
Classification: Pathogenic for Hereditary cancer-predisposing syndrome. Last evaluated: 2020-05-19. Review status: criteria provided, single submitter. Criteria: ACMG Guidelines, 2015. Collection method: clinical testing. Allele origin: germline. Not counted in ClinVar's aggregate classification.
Comment: This variant changes 1 nucleotide in exon 11 of the BRCA2 gene, creating a premature translation stop signal. This variant is expected to result in an absent or non-functional protein product. This variant has been reported in individuals with personal and/or family history of breast and/or ovarian cancer (PMID: 23683081, 29566657). This variant has not been identified in the general population by the Genome Aggregation Database (gnomAD). Loss of BRCA2 function is a known mechanism of disease. Based on the available evidence, this variant is classified as Pathogenic.

Women's Health and Genetics/Laboratory Corporation of America, LabCorp
Classification: Pathogenic for Hereditary breast and ovarian cancer syndrome. Last evaluated: 2018-10-29. Review status: criteria provided, single submitter. Criteria: LabCorp Variant Classification Summary - May 2015. Collection method: clinical testing. Allele origin: germline. Not counted in ClinVar's aggregate classification.
Comment: Variant summary: BRCA2 c.2095C>T (p.Gln699X) results in a premature termination codon, predicted to cause a truncation of the encoded protein or absence of the protein due to nonsense mediated decay, which are commonly known mechanisms for disease. The variant was absent in 245908 control chromosomes (gnomAD). The variant, c.2095C>T, has been reported in the literature in individuals affected with Hereditary Breast and Ovarian Cancer (Blay_2013, Wang_2018). These data indicate that the variant is likely to be associated with disease. To our knowledge, no experimental evidence demonstrating an impact on protein function has been reported. Six clinical diagnostic laboratories have submitted clinical-significance assessments for this variant to ClinVar after 2014 without evidence for independent evaluation. All laboratories classified the variant as pathogenic. Based on the evidence outlined above, the variant was classified as pathogenic.

NM_000059.4(BRCA2):c.2095C>T (p.Gln699Ter)

Gene: BRCA2 (BRCA2 DNA repair associated; plus strand). Cytogenetic location: 13q13.1.
Variant type: single nucleotide variant.
Coding change: c.2095C>T on transcript NM_000059.4 (MANE Select); coding-DNA position 2095, C replaced by T.
Protein change: p.Gln699Ter; replaces glutamine 699 with a stop codon.
Molecular consequence: nonsense.
Genome position (GRCh38, 1-based): chr13:32,336,450, C>T. VCF-style: chr13-32336450-C-T. GRCh37 (hg19) VCF-style: chr13-32910587-C-T.
Other names: 2323C>T; short protein forms Q699*.
Identifiers: ClinVar variation 236835 (VCV000236835.54), dbSNP rs878853559, ClinGen allele CA10583077.